The following is an entry in ClinVar:

NM_003128.3(SPTBN1):c.1422C>T (p.Tyr474=)

Gene: SPTBN1 (spectrin beta, non-erythrocytic 1; plus strand). Cytogenetic location: 2p16.2.
Variant type: single nucleotide variant.
Coding change: c.1422C>T on transcript NM_003128.3 (MANE Select); coding-DNA position 1422, C replaced by T.
Protein change: p.Tyr474=; no amino-acid change (tyrosine 474 retained).
Molecular consequence: synonymous variant.
Genome position (GRCh38, 1-based): chr2:54,626,012, C>T. VCF-style: chr2-54626012-C-T. GRCh37 (hg19) VCF-style: chr2-54853149-C-T.
Other names: c.1383C>T, p.Tyr461= (NM_178313.3).
Identifiers: ClinVar variation 3388712 (VCV003388712.14).

ClinVar aggregate classification (germline): Likely benign (1 of 4 stars; one submission).

gnomAD v4.1: 23 of 1,614,036 alleles (0.0014%); highest among the groups gnomAD compares: Admixed American, 0.005%; no homozygotes.

Submission:

CeGaT Center for Human Genetics Tuebingen
Classification: Likely benign. Last evaluated: 2024-11-01. Review status: criteria provided, single submitter. Criteria: CeGaT Center For Human Genetics Tuebingen Variant Classification Criteria Version 2. Collection method: clinical testing. Allele origin: germline. Affected: yes. Observed: 1 variant allele.
Comment: SPTBN1: BP4, BP7